The following is an entry in ClinVar:

ClinVar aggregate classification (germline): Uncertain significance. Review status: criteria provided, multiple submitters, no conflicts (2 of 4 stars). 2 submissions from 2 submitters: Uncertain significance (2). Last evaluated 2023-05-17.

Conditions:
Hypertrophic cardiomyopathy. Also called: HYPERTROPHIC MYOCARDIOPATHY. Identifiers: Orphanet 217569, MedGen C0007194, MeSH D002312, MONDO:0005045, HP:0001639.

Submissions (2):

Labcorp Genetics (formerly Invitae), Labcorp
Classification: Uncertain significance for Hypertrophic cardiomyopathy. Last evaluated: 2023-05-17. Review status: criteria provided, single submitter. Criteria: Invitae Variant Classification Sherloc (09022015). Collection method: clinical testing. Allele origin: germline.
Comment: This missense change has been observed in individual(s) with dilated cardiomyopathy (PMID: 32746448). This variant is not present in population databases (gnomAD no frequency). This sequence change replaces alanine, which is neutral and non-polar, with aspartic acid, which is acidic and polar, at codon 153 of the TNNI3 protein (p.Ala153Asp). ClinVar contains an entry for this variant (Variation ID: 181582). In summary, the available evidence is currently insufficient to determine the role of this variant in disease. Therefore, it has been classified as a Variant of Uncertain Significance. An algorithm developed to predict the effect of missense changes on protein structure and function (PolyPhen-2) suggests that this variant is likely to be disruptive.

GeneDx
Classification: Uncertain significance. Last evaluated: 2017-07-18. Review status: criteria provided, single submitter. Criteria: GeneDx Variant Classification (06012015). Collection method: clinical testing. Allele origin: germline. Affected: yes.
Comment: The Ala153Asp variant in the TNNI3 gene has not been reported as a disease-causing mutation or as a benign polymorphism to our knowledge. Ala153Asp results in a semi-conservative amino acid substitution of a non- polar Alanine with a negatively charged Aspartic acid at a position that is conserved in mammals. In silico analysis predicts Ala153Asp is damaging to the protein structure/function. Mutations in nearby residues (Arg145Tp, Arg145Gln, Arg145Gly, Ser150Cys, Ala157Val) have been reported in association with cardiomyopathy, further supporting the functional importance of this region of the protein. The Ala153Asp variant was not observed in approximately 6,000 individuals of European and African American ancestry in the NHLBI Exome Sequencing Project, indicating it is not a common benign variant in these populations.With the clinical and molecular information available at this time, we cannot definitively determine if either variant is a disease-causing mutation or a rare benign variant.The variant is found in DCM panel(s).

Literature cited by the submitters: PubMed 32746448 (cited by Labcorp Genetics (formerly Invitae), Labcorp).

NM_000363.5(TNNI3):c.458C>A (p.Ala153Asp)

Gene: TNNI3 (troponin I3, cardiac type; minus strand). Cytogenetic location: 19q13.42.
Variant type: single nucleotide variant.
Coding change: c.458C>A on transcript NM_000363.5 (MANE Select); coding-DNA position 458, C replaced by A.
Protein change: p.Ala153Asp; replaces alanine 153 with aspartic acid.
Molecular consequence: missense variant.
Genome position (GRCh38, 1-based): chr19:55,154,121, G>T on the plus strand (C>A on the coding strand, the complement: TNNI3 is on the minus strand). VCF-style: chr19-55154121-G-T. GRCh37 (hg19) VCF-style: chr19-55665489-G-T.
Other names: p.A153D:GCC>GAC; c.458C>A (LRG_432t1); short protein forms A153D.
Identifiers: ClinVar variation 181582 (VCV000181582.5), dbSNP rs730881073, ClinGen allele CA021698.
Genomic context (GRCh38, chr19:55,154,121, plus strand): 5'-AGGTGGGCCCGCAGGTCCAGGGACTCCTTAGCCCGGGCCCCCAGCAGCGCCTGCATCATG[G>T]CATCTGCAGAGATCCTCACTCTCCGCAGGGTGGGCCGCTTAAACTTGCCTCGAAGGTCAA-3'
Protein context (NP_000354.4, residues 143-163): TLRRVRISAD[Ala153Asp]MMQALLGARA